The following is an entry in ClinVar:

NM_001378120.1(MBD5):c.1936_1937del (p.Arg645_Asp646insTer)

Gene: MBD5 (methyl-CpG binding domain protein 5; plus strand). Cytogenetic location: 2q23.1.
Variant type: Microsatellite.
Coding change: c.1936_1937del on transcript NM_001378120.1 (MANE Select); coding-DNA positions 1936 to 1937, 2 bases deleted (GA; older notation c.1936_1937delGA).
Protein change: p.Arg645_Asp646insTer.
Molecular consequence: nonsense.
Genome position (GRCh38, 1-based): chr2:148,469,879-148,469,880, GA deleted; deleting any 2 consecutive bases within chr2:148,469,876-148,469,880 gives the same sequence; the c. name uses the placement nearest the transcript's 3' end. VCF-style (leftmost placement, unchanged base first): chr2-148469875-AAG-A. GRCh37 (hg19) VCF-style: chr2-149227444-AAG-A.
Other names: c.1936_1937del, p.Arg645_Asp646insTer (NM_018328.5).
Identifiers: ClinVar variation 817002 (VCV000817002.1), dbSNP rs1574461269, ClinGen allele CA915941752.

ClinVar aggregate classification (germline): Likely pathogenic (1 of 4 stars; one submission).

Submission:

GeneDx
Classification: Likely pathogenic. Last evaluated: 2018-06-18. Review status: criteria provided, single submitter. Criteria: GeneDx Variant Classification (06012015). Collection method: clinical testing. Allele origin: germline. Affected: yes.
Comment: The c.1936_1937delGA variant in the MBD5 gene has not been reported previously as a pathogenic variant nor as a benign variant, to our knowledge. The c.1936_1937delGA variant causes a frameshift starting with codon Aspartic acid 646 changes this amino acid to a premature Stop codon, denoted p.Asp646Ter. This variant is predicted to cause loss of normal protein function either through protein truncation or nonsense-mediated mRNA decay. The c.1936_1937delGA variant is not observed in large population cohorts (Lek et al., 2016). We interpret c.1936_1937delGA as a likely pathogenic variant.